The following is an entry in ClinVar:

ClinVar aggregate classification (germline): Uncertain significance (1 of 4 stars; one submission).

gnomAD v4.1: 8 of 83,706 alleles (0.0096%); highest among the groups gnomAD compares: South Asian, 0.2%; no homozygotes.

Submission:

GeneDx
Classification: Uncertain significance. Last evaluated: 2025-08-23. Review status: criteria provided, single submitter. Criteria: GeneDx Variant Classification Process June 2021. Collection method: clinical testing. Allele origin: germline. Affected: yes.
Comment: Reported in the published literature in a patient with a genetic white matter disorder; however, detailed clinical information was not provided (PMID: 35012964); No data available from control populations to assess the frequency of this variant; In silico analysis suggests that this variant does not alter splicing; This variant is associated with the following publications: (PMID: 35012964)

NM_018082.6(POLR3B):c.1101+3145C>A

Gene: POLR3B (RNA polymerase III subunit B; plus strand). Cytogenetic location: 12q23.3.
Variant type: single nucleotide variant.
Coding change: c.1101+3145C>A on transcript NM_018082.6 (MANE Select); 3145 bases into the intron after coding-DNA position 1101, C replaced by A.
Molecular consequence: intron variant.
Genome position (GRCh38, 1-based): chr12:106,414,105, C>A. VCF-style: chr12-106414105-C-A. GRCh37 (hg19) VCF-style: chr12-106807883-C-A.
Other names: c.927+3145C>A (NM_001160708.2).
Identifiers: ClinVar variation 4812906 (VCV004812906.1).